The following is an entry in ClinVar:

NM_000531.6(OTC):c.534G>A (p.Thr178=)

Gene: OTC (ornithine transcarbamylase; plus strand). Cytogenetic location: Xp11.4.
Variant type: single nucleotide variant.
Coding change: c.534G>A on transcript NM_000531.6 (MANE Select); coding-DNA position 534, G replaced by A.
Protein change: p.Thr178=; no amino-acid change (threonine 178 retained).
Molecular consequence: synonymous variant.
Genome position (GRCh38, 1-based): chrX:38,401,422, G>A. VCF-style: chrX-38401422-G-A. GRCh37 (hg19) VCF-style: chrX-38260675-G-A.
Identifiers: ClinVar variation 728308 (VCV000728308.18), dbSNP rs775895740, ClinGen allele CA10385882.

ClinVar aggregate classification (germline): Likely benign. Review status: criteria provided, multiple submitters, no conflicts (2 of 4 stars). 5 submissions from 5 submitters: Likely benign (4). 1 of the submissions does not count toward it. Last evaluated 2025-10-29.

Conditions:
Ornithine carbamoyltransferase deficiency (OTCD). Also called: Ornithine Carbamoyltransferase Deficiency Disease; ORNITHINE TRANSCARBAMYLASE DEFICIENCY; OTC DEFICIENCY; ORNITHINE TRANSCARBAMYLASE DEFICIENCY, HYPERAMMONEMIA DUE TO. Identifiers: Orphanet 664, MedGen C0268542, MONDO:0010703, OMIM 311250.

Allele frequency attached by ClinVar (database versions not stated): gnomAD exomes 0.00006 and 0.00011; ExAC 0.00009; gnomAD 0.00011 and 0.00012; TOPMed 0.00013; 1000 Genomes Project 30x 0.00021; 1000 Genomes Project 0.00026.
gnomAD v4.1: 77 of 1,202,150 alleles (0.0064%); highest among the groups gnomAD compares: Admixed American, 0.026%; no homozygotes.

Submissions (5):

Labcorp Genetics (formerly Invitae), Labcorp
Classification: Likely benign for Ornithine carbamoyltransferase deficiency. Last evaluated: 2025-10-29. Review status: criteria provided, single submitter. Criteria: Invitae Variant Classification Sherloc (09022015). Collection method: clinical testing. Allele origin: germline.

All of Us Research Program, National Institutes of Health
Classification: Likely benign for Ornithine carbamoyltransferase deficiency. Last evaluated: 2024-02-05. Review status: criteria provided, single submitter. Criteria: ACMG Guidelines, 2015. Collection method: clinical testing. Allele origin: germline. Inheritance: X-linked inheritance. Observed: 12 variant alleles, 11 heterozygotes, 1 hemizygote.
Comment: This study involves interpretation of variants in research participants for the purpose of population health screening. Participant phenotype was not available at the time of variant classification. Additional details can be found in publication PMID: 35346344, PMCID: PMC8962531

Color Diagnostics, LLC DBA Color Health
Classification: Likely benign for Ornithine carbamoyltransferase deficiency. Last evaluated: 2022-04-21. Review status: criteria provided, single submitter. Criteria: ACMG Guidelines, 2015. Collection method: clinical testing. Allele origin: germline.

GeneDx
Classification: Likely benign. Last evaluated: 2019-01-02. Review status: criteria provided, single submitter. Criteria: GeneDx Variant Classification Process June 2021. Collection method: clinical testing. Allele origin: germline. Affected: yes.
Comment: See Variant Classification Assertion Criteria.

Natera, Inc.
Classification: Likely benign for Ornithine transcarbamylase deficiency. Last evaluated: 2021-01-05. Review status: no assertion criteria provided. Collection method: clinical testing. Allele origin: germline. Not counted in ClinVar's aggregate classification.